The following is an entry in ClinVar:

NM_014698.3(TMEM63A):c.1699G>T (p.Gly567Cys)

Gene: TMEM63A (transmembrane protein 63A; minus strand). Cytogenetic location: 1q42.12.
Variant type: single nucleotide variant.
Coding change: c.1699G>T on transcript NM_014698.3 (MANE Select); coding-DNA position 1699, G replaced by T.
Protein change: p.Gly567Cys; replaces glycine 567 with cysteine.
Molecular consequence: missense variant.
Genome position (GRCh38, 1-based): chr1:225,853,727, C>A on the plus strand (G>T on the coding strand, the complement: TMEM63A is on the minus strand). VCF-style: chr1-225853727-C-A. GRCh37 (hg19) VCF-style: chr1-226041428-C-A.
Other names: short protein forms G567C.
Identifiers: ClinVar variation 3900600 (VCV003900600.1).

ClinVar aggregate classification (germline): Likely pathogenic (1 of 4 stars; one submission).

Conditions:
Leukodystrophy, hypomyelinating, 19, transient infantile. Identifiers: MedGen C5231463, MONDO:0032871, OMIM 618688.

Submission:

Pediatric Department, Peking University First Hospital
Classification: Likely pathogenic for Leukodystrophy, hypomyelinating, 19, transient infantile. Last evaluated: 2025-02-19. Review status: criteria provided, single submitter. Criteria: ACMG Guidelines, 2015. Collection method: research. Allele origin: de novo. Affected: yes.
Comment: The NM_014698.3:c.1699G>T, is a missense variant in TMEM63A which is predicted to be de novo with no family history, confirming by Next-Generation Sequencing and Sanger sequencing (PS2). The variant was absent in healthy people according to several database such as gnomAD, Exome, 1000 Genomes and ExAC (PM2). This novel missense variant change at an amino acid residue where a different missense change determined to be pathogenic has been seen before (PMID:31587869) (PM5). The variant was predicted to be damaging by multiple silico tools, including VariantTaster, SIFT, Polyphen-2 and M-Cap, and the CADD score was 29.2 (PP3). The variant was identified in an individual who presented with phenotypes highly specific to disease HLD19 (PP4). In summary, this variant meets criteria to be classified as pathogenic for HLD19 based on the ACMG criteria applied: PS2, PM2, PM5, PP3, PP4.